The following is an entry in ClinVar:

ClinVar aggregate classification (germline): Pathogenic (1 of 4 stars; one submission).

Conditions:
Arrhythmogenic cardiomyopathy with wooly hair and keratoderma. Also called: Dilated cardiomyopathy with woolly hair and keratoderma; Arrhythmogenic cardiomyopathy with woolly hair and keratoderma; PALMOPLANTAR KERATODERMA WITH LEFT VENTRICULAR CARDIOMYOPATHY AND WOOLLY HAIR; Carvajal syndrome. Identifiers: Orphanet 65282, MedGen C1854063, MONDO:0011581, OMIM 605676.
Arrhythmogenic right ventricular dysplasia 8 (ARVD8). Also called: Arrhythmogenic Right Ventricular Dysplasia/Cardiomyopathy 8; ARRHYTHMOGENIC RIGHT VENTRICULAR DYSPLASIA, FAMILIAL, 8; ARRHYTHMOGENIC RIGHT VENTRICULAR CARDIOMYOPATHY 8. Identifiers: MedGen C1843896, MONDO:0011831, OMIM 607450.

Submission:

Labcorp Genetics (formerly Invitae), Labcorp
Classification: Pathogenic for Arrhythmogenic cardiomyopathy with wooly hair and keratoderma; Arrhythmogenic right ventricular dysplasia 8. Last evaluated: 2021-07-04. Review status: criteria provided, single submitter. Criteria: Invitae Variant Classification Sherloc (09022015). Collection method: clinical testing. Allele origin: germline.
Comment: This variant is not present in population databases (ExAC no frequency). This variant has not been reported in the literature in individuals affected with DSP-related conditions. Algorithms developed to predict the effect of sequence changes on RNA splicing suggest that this variant may create or strengthen a splice site. For these reasons, this variant has been classified as Pathogenic. This sequence change creates a premature translational stop signal (p.Ala1688Valfs*6) in the DSP gene. It is expected to result in an absent or disrupted protein product. Loss-of-function variants in DSP are known to be pathogenic (PMID: 20716751, 24503780, 25227139).

Literature cited by the submitters: PubMed 20716751; PubMed 24503780; PubMed 25227139.

NM_004415.4(DSP):c.5063_5072del (p.Ala1688fs)

Gene: DSP (desmoplakin; plus strand). Cytogenetic location: 6p24.3.
Variant type: Deletion.
Coding change: c.5063_5072del on transcript NM_004415.4 (MANE Select); coding-DNA positions 5063 to 5072, 10 bases deleted (CGATAGAAGA; older notation c.5063_5072delCGATAGAAGA).
Protein change: p.Ala1688fs; shifts the reading frame from alanine 1688.
Molecular consequence: frameshift variant. On other transcripts: intron variant (2).
Genome position (GRCh38, 1-based): chr6:7,581,253-7,581,262, CGATAGAAGA deleted. VCF-style (leftmost placement, unchanged base first): chr6-7581252-GCGATAGAAGA-G. GRCh37 (hg19) VCF-style: chr6-7581485-GCGATAGAAGA-G.
Other names: c.4050+1013_4050+1022del (NM_001319034.2); c.3583-1389_3583-1380del (NM_001008844.3); short protein forms A1688fs.
Identifiers: ClinVar variation 1398558 (VCV001398558.6), dbSNP rs2113695514, ClinGen allele CA2573140810.
Genomic context (GRCh38, chr6:7,581,252, plus strand): 5'-TTACTCCAGGAACAGGAAAGTGTCAAACAAGCTCACTTGAGGAATGAGCATTTCCAGAAG[GCGATAGAAGA>G]TAAAAGCAGAAGCTTAAATGAAAGCAAAATAGAAATTGAGAGGCTGCAGTCTCTCACAGA-3'